The following is an entry in ClinVar:

NM_000742.4(CHRNA2):c.1123C>G (p.Pro375Ala)

Gene: CHRNA2 (cholinergic receptor nicotinic alpha 2 subunit; minus strand). Cytogenetic location: 8p21.2.
Variant type: single nucleotide variant.
Coding change: c.1123C>G on transcript NM_000742.4 (MANE Select); coding-DNA position 1123, C replaced by G.
Protein change: p.Pro375Ala; replaces proline 375 with alanine.
Molecular consequence: missense variant.
Genome position (GRCh38, 1-based): chr8:27,463,320, G>C on the plus strand (C>G on the coding strand, the complement: CHRNA2 is on the minus strand). VCF-style: chr8-27463320-G-C. GRCh37 (hg19) VCF-style: chr8-27320837-G-C.
Other names: p.P375A:CCC>GCC; c.1078C>G, p.Pro360Ala (NM_001282455.2); c.646C>G, p.Pro216Ala (NM_001347705.2, NM_001347706.2); c.529C>G, p.Pro177Ala (NM_001347707.2, NM_001347708.2); short protein forms P375A, P216A, P177A, P360A.
Identifiers: ClinVar variation 204970 (VCV000204970.14), dbSNP rs746613509, ClinGen allele CA313462.
Genomic context (GRCh38, chr8:27,463,320, plus strand): 5'-GGCGTAGGGGGTGGCAGAGCTCCACGGGTGGTGGGGGCCGGTTCATCAGAAGCCACCGGG[G>C]CACACAGCCCAGAAGGGCCCCCCGCACCCAGTGGGGCATGGTGTGGGTGCTGGGGGAGCG-3'
Protein context (NP_000733.2, residues 365-385): WVRGALLGCV[Pro375Ala]RWLLMNRPPP

ClinVar aggregate classification (germline): Conflicting classifications of pathogenicity. Review status: criteria provided, conflicting classifications (1 of 4 stars). 5 submissions from 5 submitters: Uncertain significance (3); Likely benign (2). Last evaluated 2025-10-10.

Conditions:
CHRNA2-related disorder. Also called: CHRNA2-related condition.
Familial sleep-related hypermotor epilepsy. Also called: Autosomal Dominant Sleep-Related Hypermotor (Hyperkinetic) Epilepsy. Identifiers: Orphanet 98784, MedGen C3696898, MONDO:0000030.
Inborn genetic diseases. Identifiers: MedGen C0950123, MeSH D030342.
Autosomal dominant nocturnal frontal lobe epilepsy 4. Also called: CHRNA2-Related Nocturnal Frontal Lobe Epilepsy, Autosomal Dominant; EPILEPSY, FAMILIAL, WITH NOCTURNAL WANDERING AND ICTAL FEAR. Identifiers: Orphanet 98784, MedGen C1835905, MONDO:0012474, OMIM 610353.

Allele frequency attached by ClinVar (database versions not stated): gnomAD exomes 0.00001; TOPMed 0.00001; ExAC 0.00002; gnomAD 0.00003 and 0.00004.

Submissions (5):

Labcorp Genetics (formerly Invitae), Labcorp
Classification: Likely benign. Last evaluated: 2025-10-10. Review status: criteria provided, single submitter. Criteria: Invitae Variant Classification Sherloc (09022015). Collection method: clinical testing. Allele origin: germline.

PreventionGenetics, part of Exact Sciences
Classification: Uncertain significance for CHRNA2-related condition. Last evaluated: 2025-06-27. Review status: criteria provided, single submitter. Criteria: ACMG Guidelines, 2015. Collection method: clinical testing. Allele origin: germline.
Comment: The CHRNA2 c.1123C>G variant is predicted to result in the amino acid substitution p.Pro375Ala. To our knowledge, this variant has not been reported in the literature. This variant is reported in 0.0024% of alleles in individuals of European (Non-Finnish) descent in gnomAD. At this time, the clinical significance of this variant is uncertain due to the absence of conclusive functional and genetic evidence.

Ambry Genetics
Classification: Uncertain significance for Inborn genetic diseases. Last evaluated: 2023-05-31. Review status: criteria provided, single submitter. Criteria: Ambry Variant Classification Scheme 2023. Collection method: clinical testing. Allele origin: germline.

GeneDx
Classification: Uncertain significance. Last evaluated: 2018-08-06. Review status: criteria provided, single submitter. Criteria: GeneDx Variant Classification (06012015). Collection method: clinical testing. Allele origin: germline. Affected: yes.
Comment: p.Pro375Ala (CCC>GCC): c.1123 C>G in exon 6 of the CHRNA2 gene (NM_000742.3). The Pro375Ala missense change has not been published as a mutation, nor has it been reported as a benign polymorphism to our knowledge. It was not observed in approximately 6,500 individuals of European and African American ancestry in the NHLBI Exome Sequencing Project, indicating it is not a common benign variant in these populations. This variant alters a position that is not highly conserved, and it does not occur within the transmembrane region of the protein where pathogenic missense mutations have been identified in association with epilepsy (Steinlein et al., 2010). Although Proline and Alanine are both uncharged, non-polar amino acids, the loss of a bulky Proline residue may alter the secondary structure of the protein. Multiple in silico algorithms predict that Pro375Ala is damaging to the structure/function of the protein. The variant is found in EPILEPSY panel(s).

Illumina Laboratory Services, Illumina
Classification: Likely benign for Autosomal dominant nocturnal frontal lobe epilepsy 4. Last evaluated: 2018-01-13. Review status: criteria provided, single submitter. Criteria: ICSL Variant Classification Criteria 13 December 2019. Collection method: clinical testing. Allele origin: germline.
Comment: This variant was observed in the ICSL laboratory as part of a predisposition screen in an ostensibly healthy population. It had not been previously curated by ICSL or reported in the Human Gene Mutation Database (HGMD: prior to June 1st, 2018), and was therefore a candidate for classification through an automated scoring system. Utilizing variant allele frequency, disease prevalence and penetrance estimates, and inheritance mode, an automated score was calculated to assess if this variant is too frequent to cause the disease. Based on the score and internal cut-off values, a variant classified as likely benign is not then subjected to further curation. The score for this variant resulted in a classification of likely benign for this disease.